The following is an entry in ClinVar:

NM_006440.5(TXNRD2):c.592-5G>C

Gene: TXNRD2 (thioredoxin reductase 2; minus strand). Cytogenetic location: 22q11.21.
Variant type: single nucleotide variant.
Coding change: c.592-5G>C on transcript NM_006440.5 (MANE Select); 5 bases into the intron before coding-DNA position 592, G replaced by C.
Molecular consequence: intron variant.
Genome position (GRCh38, 1-based): chr22:19,911,452, C>G on the plus strand (G>C on the coding strand, the complement: TXNRD2 is on the minus strand). VCF-style: chr22-19911452-C-G. GRCh37 (hg19) VCF-style: chr22-19898975-C-G.
Other names: c.589-5G>C (NM_001352300.2); c.304-5G>C (NM_001352302.2); c.502-5G>C (NM_001352301.2); c.592-5G>C (NM_001282512.3); c.496-5G>C (NM_001352303.2).
Identifiers: ClinVar variation 509908 (VCV000509908.1), dbSNP rs1555911995, ClinGen allele CA658799485.

ClinVar aggregate classification (germline): Likely benign (1 of 4 stars; one submission).

Allele frequency attached by ClinVar (database versions not stated): gnomAD exomes below 0.00001.
gnomAD v4.1: 1 of 1,612,904 alleles (0.000062%); highest among the groups gnomAD compares: Non-Finnish European, 0.000085%; no homozygotes.

Submission:

GeneDx
Classification: Likely benign. Last evaluated: 2017-05-31. Review status: criteria provided, single submitter. Criteria: GeneDx Variant Classification (06012015). Collection method: clinical testing. Allele origin: germline. Affected: yes.
Comment: This variant is considered likely benign or benign based on one or more of the following criteria: it is a conservative change, it occurs at a poorly conserved position in the protein, it is predicted to be benign by multiple in silico algorithms, and/or has population frequency not consistent with disease.